The following is an entry in ClinVar:

NM_001289080.2(CNTN6):c.1833T>A (p.Ser611Arg)

Gene: CNTN6 (contactin 6; plus strand). Cytogenetic location: 3p26.3.
Variant type: single nucleotide variant.
Coding change: c.1833T>A on transcript NM_001289080.2 (MANE Select); coding-DNA position 1833, T replaced by A.
Protein change: p.Ser611Arg; replaces serine 611 with arginine.
Molecular consequence: missense variant.
Genome position (GRCh38, 1-based): chr3:1,373,650, T>A. VCF-style: chr3-1373650-T-A. GRCh37 (hg19) VCF-style: chr3-1415334-T-A.
Other names: c.1617T>A, p.Ser539Arg (NM_001289081.2); c.1833T>A, p.Ser611Arg (NM_001349350.2, NM_001349351.2, NM_001349352.2 and 4 more transcripts); c.1725T>A, p.Ser575Arg (NM_001349356.2); c.1521T>A, p.Ser507Arg (NM_001349357.2); c.1278T>A, p.Ser426Arg (NM_001349358.2); c.711T>A, p.Ser237Arg (NM_001349359.2, NM_001349360.2, NM_001349361.2 and 1 more transcripts); short protein forms S237R, S426R, S507R, S539R, S575R, S611R.
Identifiers: ClinVar variation 2629570 (VCV002629570.1), dbSNP rs757222881, ClinGen allele CA351433616.

ClinVar aggregate classification (germline): Uncertain significance (1 of 4 stars; one submission).

Conditions:
CNTN6-related disorder. Also called: CNTN6-related condition.

Submission:

PreventionGenetics, part of Exact Sciences
Classification: Uncertain significance for CNTN6-related condition. Last evaluated: 2023-08-25. Review status: criteria provided, single submitter. Criteria: ACMG Guidelines, 2015. Collection method: clinical testing. Allele origin: germline.
Comment: The CNTN6 c.1833T>A variant is predicted to result in the amino acid substitution p.Ser611Arg. To our knowledge, this variant has not been reported in the literature or in a large population database, indicating this variant is rare. At this time, the clinical significance of this variant is uncertain due to the absence of conclusive functional and genetic evidence.